The following is an entry in ClinVar:

ClinVar aggregate classification (germline): Uncertain significance (1 of 4 stars; one submission).

Conditions:
Progressive familial heart block type IB (PFHB1B). Identifiers: Orphanet 871, MedGen C1970298, MONDO:0011474, OMIM 604559.

Allele frequency attached by ClinVar (database versions not stated): gnomAD exomes below 0.00001.
gnomAD v4.1: 7 of 1,614,050 alleles (0.00043%); highest among the groups gnomAD compares: East Asian, 0.013%; no homozygotes.

Submission:

Labcorp Genetics (formerly Invitae), Labcorp
Classification: Uncertain significance for Progressive familial heart block type IB. Last evaluated: 2021-11-11. Review status: criteria provided, single submitter. Criteria: Invitae Variant Classification Sherloc (09022015). Collection method: clinical testing. Allele origin: germline.
Comment: This sequence change replaces glycine, which is neutral and non-polar, with glutamic acid, which is acidic and polar, at codon 950 of the TRPM4 protein (p.Gly950Glu). This variant is present in population databases (no rsID available, gnomAD 0.006%). This variant has not been reported in the literature in individuals affected with TRPM4-related conditions. Algorithms developed to predict the effect of missense changes on protein structure and function are either unavailable or do not agree on the potential impact of this missense change (SIFT: "Deleterious"; PolyPhen-2: "Probably Damaging"; Align-GVGD: "Class C0"). In summary, the available evidence is currently insufficient to determine the role of this variant in disease. Therefore, it has been classified as a Variant of Uncertain Significance.

NM_017636.4(TRPM4):c.2849G>A (p.Gly950Glu)

Gene: TRPM4 (transient receptor potential cation channel subfamily M member 4; plus strand). Cytogenetic location: 19q13.33.
Variant type: single nucleotide variant.
Coding change: c.2849G>A on transcript NM_017636.4 (MANE Select); coding-DNA position 2849, G replaced by A.
Protein change: p.Gly950Glu; replaces glycine 950 with glutamic acid.
Molecular consequence: missense variant.
Genome position (GRCh38, 1-based): chr19:49,200,681, G>A. VCF-style: chr19-49200681-G-A. GRCh37 (hg19) VCF-style: chr19-49703938-G-A.
Other names: c.2414G>A, p.Gly805Glu (NM_001195227.2); c.2504G>A, p.Gly835Glu (NM_001321281.2); c.1241G>A, p.Gly414Glu (NM_001321282.2); c.2327G>A, p.Gly776Glu (NM_001321283.2); c.1787G>A, p.Gly596Glu (NM_001321285.2); short protein forms G414E, G596E, G776E, G950E, G805E, G835E.
Identifiers: ClinVar variation 1392594 (VCV001392594.6), dbSNP rs1183133556, ClinGen allele CA406811862.